The following is an entry in ClinVar:

ClinVar aggregate classification (germline): Likely benign (0 of 4 stars; one submission).

Conditions:
EBF3-related disorder. Identifiers: MedGen CN239924.

Submission:

PreventionGenetics, part of Exact Sciences
Classification: Likely benign for EBF3-related condition. Last evaluated: 2021-03-26. Review status: no assertion criteria provided. Collection method: clinical testing. Allele origin: germline.
Comment: This variant is classified as likely benign based on ACMG/AMP sequence variant interpretation guidelines (Richards et al. 2015 PMID: 25741868, with internal and published modifications).

NM_001375380.1(EBF3):c.552C>T (p.Asp184=)

Gene: EBF3 (EBF transcription factor 3; minus strand). Cytogenetic location: 10q26.3.
Variant type: single nucleotide variant.
Coding change: c.552C>T on transcript NM_001375380.1 (MANE Select); coding-DNA position 552, C replaced by T.
Protein change: p.Asp184=; no amino-acid change (aspartic acid 184 retained).
Molecular consequence: synonymous variant.
Genome position (GRCh38, 1-based): chr10:129,957,260, G>A on the plus strand (C>T on the coding strand, the complement: EBF3 is on the minus strand). VCF-style: chr10-129957260-G-A. GRCh37 (hg19) VCF-style: chr10-131755524-G-A.
Other names: c.552C>T, p.Asp184= (NM_001005463.3, NM_001375379.1, NM_001375389.1 and 3 more transcripts).
Identifiers: ClinVar variation 3029891 (VCV003029891.2), dbSNP rs2493627794, ClinGen allele CA471936525.